The following is an entry in ClinVar:

NM_000257.4(MYH7):c.4667G>A (p.Gly1556Asp)

Genes: MHRT (myosin heavy chain associated RNA transcript; plus strand), MYH7 (myosin heavy chain 7; minus strand), LOC126861897 (BRD4-independent group 4 enhancer GRCh37_chr14:23884455-23885654; plus strand). Cytogenetic location: 14q11.2.
Variant type: single nucleotide variant.
Coding change: c.4667G>A on transcript NM_000257.4 (MANE Select); coding-DNA position 4667, G replaced by A.
Protein change: p.Gly1556Asp; replaces glycine 1556 with aspartic acid.
Molecular consequence: missense variant. On other transcripts: non-coding transcript variant (1).
Genome position (GRCh38, 1-based): chr14:23,416,290, C>T on the plus strand (G>A on the coding strand, the complement: MYH7 is on the minus strand). VCF-style: chr14-23416290-C-T. GRCh37 (hg19) VCF-style: chr14-23885499-C-T.
Other names: short protein forms G1556D.
Identifiers: ClinVar variation 567504 (VCV000567504.9), dbSNP rs1566524217, ClinGen allele CA389037896.

ClinVar aggregate classification (germline): Uncertain significance (1 of 4 stars; one submission).

Conditions:
Hypertrophic cardiomyopathy. Also called: HYPERTROPHIC MYOCARDIOPATHY. Identifiers: Orphanet 217569, MedGen C0007194, MeSH D002312, MONDO:0005045, HP:0001639.

Submission:

Labcorp Genetics (formerly Invitae), Labcorp
Classification: Uncertain significance for Hypertrophic cardiomyopathy. Last evaluated: 2018-06-20. Review status: criteria provided, single submitter. Criteria: Invitae Variant Classification Sherloc (09022015). Collection method: clinical testing. Allele origin: germline.
Comment: In summary, the available evidence is currently insufficient to determine the role of this variant in disease. Therefore, it has been classified as a Variant of Uncertain Significance. Algorithms developed to predict the effect of missense changes on protein structure and function are either unavailable or do not agree on the potential impact of this missense change (SIFT: "Deleterious"; PolyPhen-2: "Probably Damaging"; Align-GVGD: "Class C0"). This variant has not been reported in the literature in individuals with MYH7-related disease. This variant is not present in population databases (ExAC no frequency). This sequence change replaces glycine with aspartic acid at codon 1556 of the MYH7 protein (p.Gly1556Asp). The glycine residue is highly conserved and there is a moderate physicochemical difference between glycine and aspartic acid.